The following is an entry in ClinVar:

ClinVar aggregate classification (germline): Pathogenic (1 of 4 stars; one submission).

Conditions:
Bardet-Biedl syndrome 16 (BBS16). Identifiers: Orphanet 110, MedGen C3889474, MONDO:0014444, OMIM 615993.
Senior-Loken syndrome 7 (SLSN7). Identifiers: Orphanet 3156, MedGen C3150877, MONDO:0013326, OMIM 613615.

Submission:

Labcorp Genetics (formerly Invitae), Labcorp
Classification: Pathogenic for Bardet-Biedl syndrome 16; Senior-Loken syndrome 7. Last evaluated: 2023-09-10. Review status: criteria provided, single submitter. Criteria: Invitae Variant Classification Sherloc (09022015). Collection method: clinical testing. Allele origin: germline.
Comment: For these reasons, this variant has been classified as Pathogenic. This variant has not been reported in the literature in individuals affected with SDCCAG8-related conditions. This variant is not present in population databases (gnomAD no frequency). This sequence change creates a premature translational stop signal (p.Gln263*) in the SDCCAG8 gene. It is expected to result in an absent or disrupted protein product. Loss-of-function variants in SDCCAG8 are known to be pathogenic (PMID: 20835237, 22190896).

Literature cited by the submitters: PubMed 20835237; PubMed 22190896.

NM_006642.5(SDCCAG8):c.787C>T (p.Gln263Ter)

Gene: SDCCAG8 (SHH signaling and ciliogenesis regulator SDCCAG8; plus strand). Cytogenetic location: 1q43.
Variant type: single nucleotide variant.
Coding change: c.787C>T on transcript NM_006642.5 (MANE Select); coding-DNA position 787, C replaced by T.
Protein change: p.Gln263Ter; replaces glutamine 263 with a stop codon.
Molecular consequence: nonsense. On other transcripts: 5 prime UTR variant (3).
Genome position (GRCh38, 1-based): chr1:243,308,035, C>T. VCF-style: chr1-243308035-C-T. GRCh37 (hg19) VCF-style: chr1-243471337-C-T.
Other names: c.-117C>T (NM_001350246.2, NM_001350247.2, NM_001350251.2); c.883C>T, p.Gln295Ter (NM_001350248.2); c.493C>T, p.Gln165Ter (NM_001350249.2); short protein forms Q165*, Q263*, Q295*.
Identifiers: ClinVar variation 2951815 (VCV002951815.3), dbSNP rs2547885939, ClinGen allele CA345479059.